The following is an entry in ClinVar:

NM_000153.4(GALC):c.593A>C (p.Glu198Ala)

Gene: GALC (galactosylceramidase; minus strand). Cytogenetic location: 14q31.3.
Variant type: single nucleotide variant.
Coding change: c.593A>C on transcript NM_000153.4 (MANE Select); coding-DNA position 593, A replaced by C.
Protein change: p.Glu198Ala; replaces glutamic acid 198 with alanine.
Molecular consequence: missense variant.
Genome position (GRCh38, 1-based): chr14:87,982,233, T>G on the plus strand (A>C on the coding strand, the complement: GALC is on the minus strand). VCF-style: chr14-87982233-T-G. GRCh37 (hg19) VCF-style: chr14-88448577-T-G.
Other names: c.524A>C, p.Glu175Ala (NM_001201401.2); c.515A>C, p.Glu172Ala (NM_001201402.2); short protein forms E172A, E198A, E175A.
Identifiers: ClinVar variation 2029586 (VCV002029586.4), dbSNP rs2503500771, ClinGen allele CA390750842.

ClinVar aggregate classification (germline): Likely pathogenic (1 of 4 stars; one submission).

Conditions:
Galactosylceramide beta-galactosidase deficiency. Also called: Krabbe Disease; Leukodystrophy, Globoid Cell; GALACTOCEREBROSIDASE DEFICIENCY; GALC DEFICIENCY; GLOBOID CELL LEUKOENCEPHALOPATHY. Identifiers: Orphanet 487, MedGen C0023521, MONDO:0009499, OMIM 245200.

Submission:

Labcorp Genetics (formerly Invitae), Labcorp
Classification: Likely pathogenic for Galactosylceramide beta-galactosidase deficiency. Last evaluated: 2022-09-09. Review status: criteria provided, single submitter. Criteria: Invitae Variant Classification Sherloc (09022015). Collection method: clinical testing. Allele origin: germline.
Comment: In summary, the currently available evidence indicates that the variant is pathogenic, but additional data are needed to prove that conclusively. Therefore, this variant has been classified as Likely Pathogenic. This variant disrupts the p.Glu198 amino acid residue in GALC. Other variant(s) that disrupt this residue have been determined to be pathogenic (PMID: 26915362, 27638593, 30777126). This suggests that this residue is clinically significant, and that variants that disrupt this residue are likely to be disease-causing. Advanced modeling of protein sequence and biophysical properties (such as structural, functional, and spatial information, amino acid conservation, physicochemical variation, residue mobility, and thermodynamic stability) performed at Invitae indicates that this missense variant is expected to disrupt GALC protein function. This variant has not been reported in the literature in individuals affected with GALC-related conditions. This variant is not present in population databases (gnomAD no frequency). This sequence change replaces glutamic acid, which is acidic and polar, with alanine, which is neutral and non-polar, at codon 198 of the GALC protein (p.Glu198Ala).

Literature cited by the submitters: PubMed 26915362; PubMed 27638593; PubMed 30777126.